The following is an entry in ClinVar:

NM_133433.4(NIPBL):c.5808+1G>A

Gene: NIPBL (NIPBL cohesin loading factor; plus strand). Cytogenetic location: 5p13.2.
Variant type: single nucleotide variant.
Coding change: c.5808+1G>A on transcript NM_133433.4 (MANE Select); the canonical splice donor site of the intron after coding-DNA position 5808, G replaced by A.
Molecular consequence: splice donor variant.
Genome position (GRCh38, 1-based): chr5:37,026,328, G>A. VCF-style: chr5-37026328-G-A. GRCh37 (hg19) VCF-style: chr5-37026430-G-A.
Other names: c.5808+1G>A (NM_015384.5).
Identifiers: ClinVar variation 159161 (VCV000159161.11), dbSNP rs587783984, ClinGen allele CA272169.
Genomic context (GRCh38, chr5:37,026,328, plus strand): 5'-CCAACTCCACACAATGACAAAGAAGCAATGACAAGGAAAATTTTAAACATTACCGATGTG[G>A]TAAGAAGGACTGGAACAAGGGTGTGGTCACTGTTGATCCAGACCTAATTGAGGCCTACAT-3'

ClinVar aggregate classification (germline): Pathogenic. Review status: criteria provided, multiple submitters, no conflicts (2 of 4 stars). 2 submissions from 2 submitters: Pathogenic (2). Last evaluated 2021-09-17.

Conditions:
Cornelia de Lange syndrome 1 (CDLS1). Also called: Brachmann de Lange syndrome; NIPBL-Related Cornelia de Lange Syndrome; TYPUS DEGENERATIVUS AMSTELODAMENSIS. Identifiers: Orphanet 199, MedGen C4551851, MONDO:0007387, OMIM 122470.

Submissions (2):

Labcorp Genetics (formerly Invitae), Labcorp
Classification: Pathogenic for Cornelia de Lange syndrome 1. Last evaluated: 2021-09-17. Review status: criteria provided, single submitter. Criteria: Invitae Variant Classification Sherloc (09022015). Collection method: clinical testing. Allele origin: germline.
Comment: For these reasons, this variant has been classified as Pathogenic. Algorithms developed to predict the effect of sequence changes on RNA splicing suggest that this variant may disrupt the consensus splice site. ClinVar contains an entry for this variant (Variation ID: 159161). Disruption of this splice site has been observed in individuals with Cornelia de Lange syndrome (PMID: 20824775, 28425213; Invitae). This variant is not present in population databases (ExAC no frequency). This sequence change affects a donor splice site in intron 31 of the NIPBL gene. It is expected to disrupt RNA splicing. Variants that disrupt the donor or acceptor splice site typically lead to a loss of protein function (PMID: 16199547), and loss-of-function variants in NIPBL are known to be pathogenic (PMID: 15318302, 19763162, 23505322, 29995837).

Genetic Services Laboratory, University of Chicago
Classification: Pathogenic for Cornelia de Lange syndrome 1. Last evaluated: 2013-02-08. Review status: criteria provided, single submitter. Criteria: ACMG Guidelines, 2007. Collection method: clinical testing. Allele origin: germline. Inheritance: Autosomal dominant inheritance. Affected: yes.

Literature cited by the submitters: PubMed 20824775 (cited by Labcorp Genetics (formerly Invitae), Labcorp); PubMed 28425213 (cited by Labcorp Genetics (formerly Invitae), Labcorp); PubMed 16199547 (cited by Labcorp Genetics (formerly Invitae), Labcorp); PubMed 15318302 (cited by Labcorp Genetics (formerly Invitae), Labcorp); PubMed 19763162 (cited by Labcorp Genetics (formerly Invitae), Labcorp); PubMed 23505322 (cited by Labcorp Genetics (formerly Invitae), Labcorp); PubMed 29995837 (cited by Labcorp Genetics (formerly Invitae), Labcorp).